The following is an entry in ClinVar:

NM_000135.4(FANCA):c.1558G>A (p.Asp520Asn)

Gene: FANCA (FA complementation group A; minus strand). Cytogenetic location: 16q24.3.
Variant type: single nucleotide variant.
Coding change: c.1558G>A on transcript NM_000135.4 (MANE Select); coding-DNA position 1558, G replaced by A.
Protein change: p.Asp520Asn; replaces aspartic acid 520 with asparagine.
Molecular consequence: missense variant.
Genome position (GRCh38, 1-based): chr16:89,783,015, C>T on the plus strand (G>A on the coding strand, the complement: FANCA is on the minus strand). VCF-style: chr16-89783015-C-T. GRCh37 (hg19) VCF-style: chr16-89849423-C-T.
Other names: c.1558G>A (LRG_495t1, NM_000135.3); c.1558G>A, p.Asp520Asn (NM_001286167.3); short protein forms D520N.
Identifiers: ClinVar variation 651912 (VCV000651912.8), dbSNP rs754123446, ClinGen allele CA8252276.

ClinVar aggregate classification (germline): Uncertain significance. Review status: criteria provided, multiple submitters, no conflicts (2 of 4 stars). 3 submissions from 3 submitters: Uncertain significance (2). 1 of the submissions does not count toward it. Last evaluated 2025-08-20.

Conditions:
Fanconi anemia complementation group A (FANCA). Also called: FANCA-Related Fanconi Anemia; Fanconi anemia, group A. Identifiers: Orphanet 84, MedGen C3469521, MONDO:0009215, OMIM 227650.
Fanconi anemia (FA). Also called: Fanconi's anemia. Identifiers: Orphanet 84, MedGen C0015625, MeSH D005199, MONDO:0019391.

Allele frequency attached by ClinVar (database versions not stated): gnomAD exomes 0.00001; TOPMed 0.00001; ExAC 0.00002.
gnomAD v4.1: 10 of 1,613,784 alleles (0.00062%); highest among the groups gnomAD compares: Admixed American, 0.0033%; no homozygotes.

Submissions (3):

Quest Diagnostics Nichols Institute San Juan Capistrano
Classification: Uncertain significance. Last evaluated: 2025-08-20. Review status: criteria provided, single submitter. Criteria: Quest Diagnostics criteria. Collection method: clinical testing. Allele origin: unknown.
Comment: The FANCA c.1558G>A (p.Asp520Asn) variant has not been reported in individuals with FANCA-related conditions in the published literature. The frequency of this variant in the general population (Genome Aggregation Database) is uninformative in the assessment of its pathogenicity. Analysis of this variant using bioinformatics tools for the prediction of the effect of amino acid changes on protein structure and function yielded conflicting predictions that this variant is benign or damaging. Based on the available information, we are unable to determine the clinical significance of this variant.

Labcorp Genetics (formerly Invitae), Labcorp
Classification: Uncertain significance for Fanconi anemia. Last evaluated: 2022-08-31. Review status: criteria provided, single submitter. Criteria: Invitae Variant Classification Sherloc (09022015). Collection method: clinical testing. Allele origin: germline.
Comment: This sequence change replaces aspartic acid, which is acidic and polar, with asparagine, which is neutral and polar, at codon 520 of the FANCA protein (p.Asp520Asn). This variant is present in population databases (rs754123446, gnomAD 0.003%). This variant has not been reported in the literature in individuals affected with FANCA-related conditions. ClinVar contains an entry for this variant (Variation ID: 651912). Algorithms developed to predict the effect of missense changes on protein structure and function are either unavailable or do not agree on the potential impact of this missense change (SIFT: "Tolerated"; PolyPhen-2: "Possibly Damaging"; Align-GVGD: "Class C0"). In summary, the available evidence is currently insufficient to determine the role of this variant in disease. Therefore, it has been classified as a Variant of Uncertain Significance.

Natera, Inc.
Classification: Uncertain significance for Fanconi anemia, group A. Last evaluated: 2020-09-16. Review status: no assertion criteria provided. Collection method: clinical testing. Allele origin: germline. Not counted in ClinVar's aggregate classification.